The following is an entry in ClinVar:

ClinVar aggregate classification (germline): Uncertain significance (1 of 4 stars; one submission).

Conditions:
Inborn genetic diseases. Identifiers: MedGen C0950123, MeSH D030342.

Submission:

Ambry Genetics
Classification: Uncertain significance for Inborn genetic diseases. Last evaluated: 2025-11-11. Review status: criteria provided, single submitter. Criteria: Ambry Variant Classification Scheme 2023. Collection method: clinical testing. Allele origin: germline.
Comment: The p.L334F variant (also known as c.1000C>T), located in coding exon 7 of the MECOM gene, results from a C to T substitution at nucleotide position 1000. The leucine at codon 334 is replaced by phenylalanine, an amino acid with highly similar properties. This amino acid position is conserved. In addition, this alteration is predicted to be deleterious by in silico analysis. Based on the available evidence, the clinical significance of this variant remains unclear.

NM_004991.4(MECOM):c.1000C>T (p.Leu334Phe)

Gene: MECOM (MDS1 and EVI1 complex locus; minus strand). Cytogenetic location: 3q26.2.
Variant type: single nucleotide variant.
Coding change: c.1000C>T on transcript NM_004991.4 (MANE Select); coding-DNA position 1000, C replaced by T.
Protein change: p.Leu334Phe; replaces leucine 334 with phenylalanine.
Molecular consequence: missense variant.
Genome position (GRCh38, 1-based): chr3:169,121,188, G>A on the plus strand (C>T on the coding strand, the complement: MECOM is on the minus strand). VCF-style: chr3-169121188-G-A. GRCh37 (hg19) VCF-style: chr3-168838976-G-A.
Other names: c.631C>T, p.Leu211Phe (NM_001105077.4); c.436C>T, p.Leu146Phe (NM_001105078.4, NM_001164000.2, NM_001205194.2 and 5 more transcripts); c.439C>T, p.Leu147Phe (NM_001163999.2, NM_001366467.2, NM_001366468.2 and 1 more transcripts); c.1000C>T, p.Leu334Phe (NM_001366466.2, NM_001366473.2); short protein forms L334F, L146F, L211F, L147F.
Identifiers: ClinVar variation 4624689 (VCV004624689.1).
Genomic context (GRCh38, chr3:169,121,188, plus strand): 5'-CACACTCCGGGCATGCATGGGCCCGGGCACCGACATGCTGAGAGCGAATGTGCCGCTGAA[G>A]GTTGCTAGGGTCCGTGAAAACCTGCTAGGAAATGAGTACTGATTAATCAAGAAACTTAAC-3'
Protein context (NP_004982.2, residues 324-344): CAKVFTDPSN[Leu334Phe]QRHIRSQHVG